The following is an entry in ClinVar:

ClinVar aggregate classification (germline): Benign. Review status: criteria provided, multiple submitters, no conflicts (2 of 4 stars). 9 submissions from 9 submitters: Benign (8). 1 of the submissions does not count toward it. Last evaluated 2026-01-27.

Conditions:
Dystrophin deficiency.
Cardiomyopathy (CMYO). Also called: Cardiomyopathies. Identifiers: Orphanet 167848, MedGen C0878544, MONDO:0004994, HP:0001638. Inheritance: Various modes of inheritance.
Duchenne muscular dystrophy (DMD). Also called: Duchenne Muscular Dystrophy (DMD); MUSCULAR DYSTROPHY, PSEUDOHYPERTROPHIC PROGRESSIVE, DUCHENNE TYPE. Identifiers: Orphanet 98896, MedGen C0013264, MONDO:0010679, OMIM 310200.
Becker muscular dystrophy (BMD). Also called: Becker Muscular Dystrophy (BMD); MUSCULAR DYSTROPHY, PSEUDOHYPERTROPHIC PROGRESSIVE, BECKER TYPE. Identifiers: Orphanet 98895, MedGen C0917713, MONDO:0010311, OMIM 300376.

Allele frequency attached by ClinVar (database versions not stated): gnomAD 0.00195; TOPMed 0.00196; ESP Exome Variant Server 0.00284; gnomAD exomes 0.00025 and 0.00067; 1000 Genomes Project 0.00106; ExAC 0.00109; 1000 Genomes Project 30x 0.00125.
gnomAD v4.1: 487 of 1,177,235 alleles (0.041%); highest among the groups gnomAD compares: African/African-American, 0.72%; no homozygotes.

Submissions (9):

Labcorp Genetics (formerly Invitae), Labcorp
Classification: Benign for Duchenne muscular dystrophy. Last evaluated: 2026-01-27. Review status: criteria provided, single submitter. Criteria: Invitae Variant Classification Sherloc (09022015). Collection method: clinical testing. Allele origin: germline.

Blueprint Genetics
Classification: Benign. Last evaluated: 2024-02-19. Review status: criteria provided, single submitter. Criteria: ACMG Guidelines, 2015. Collection method: clinical testing. Allele origin: germline.

ARUP Laboratories, Molecular Genetics and Genomics, ARUP Laboratories
Classification: Benign. Last evaluated: 2023-12-26. Review status: criteria provided, single submitter. Criteria: ARUP Molecular Germline Variant Investigation Process 2024. Collection method: clinical testing. Allele origin: germline.

Women's Health and Genetics/Laboratory Corporation of America, LabCorp
Classification: Benign. Last evaluated: 2020-03-30. Review status: criteria provided, single submitter. Criteria: LabCorp Variant Classification Summary - May 2015. Collection method: clinical testing. Allele origin: germline.
Comment: Variant summary: DMD c.2380+11G>A alters a non-conserved nucleotide located close to a canonical splice site and therefore could affect mRNA splicing, leading to a significantly altered protein sequence. 4/4 computational tools predict no significant impact on normal splicing. However, these predictions have yet to be confirmed by functional studies. The variant allele was found at a frequency of 0.00067 in 173804 control chromosomes, predominantly at a frequency of 0.0082 within the African or African-American subpopulation in the gnomAD database. The observed variant frequency within African or African-American control individuals in the gnomAD database is significantly higher than the estimated maximal expected allele frequency for a pathogenic variant in DMD causing Dystrophinopathies phenotype (0.000008824), strongly suggesting that the variant is a benign polymorphism found primarily in populations of African or African-American origin. To our knowledge, no occurrence of c.2380+11G>A in individuals affected with Dystrophinopathies and no experimental evidence demonstrating its impact on protein function have been reported. One clinical diagnostic laboratory has submitted clinical-significance assessments for this variant to ClinVar after 2014 without evidence for independent evaluation and classified the variant as benign. Based on the evidence outlined above, the variant was classified as benign.

Eurofins Ntd Llc (ga)
Classification: Benign. Last evaluated: 2016-02-24. Review status: criteria provided, single submitter. Criteria: EGL Classification Definitions 2015. Collection method: clinical testing. Allele origin: germline. Observed: 1 variant allele, 1 hemizygote.

Laboratory for Molecular Medicine, Mass General Brigham Personalized Medicine
Classification: Benign. Last evaluated: 2014-11-24. Review status: criteria provided, single submitter. Criteria: LMM Criteria. Collection method: clinical testing. Allele origin: germline. Observed: 1 variant allele.
Comment: 2380+11G>A in intron 19 of DMD: This variant is not expected to have clinical si gnificance because it is not located within the conserved splice consensus seque nce. It has been identified in 0.8% (30/3833) of African American chromosomes fr om a broad population by the NHLBI Exome Sequencing Project (dbSNP rs183120304).

GeneDx
Classification: Benign. Last evaluated: 2014-05-09. Review status: criteria provided, single submitter. Criteria: GeneDx Variant Classification (06012015). Collection method: clinical testing. Allele origin: germline. Affected: yes.
Comment: This variant is considered likely benign or benign based on one or more of the following criteria: it is a conservative change, it occurs at a poorly conserved position in the protein, it is predicted to be benign by multiple in silico algorithms, and/or has population frequency not consistent with disease.

Breakthrough Genomics
Classification: Benign. Review status: criteria provided, single submitter. Criteria: ACMG Guidelines, 2015. Collection method: not provided. Allele origin: germline. Inheritance: X-linked inheritance. Affected: yes.

Natera, Inc.
Classification: Likely benign for Becker muscular dystrophy; Cardiomyopathy; Duchenne muscular dystrophy; Dystrophin deficiency. Last evaluated: 2018-01-10. Review status: no assertion criteria provided. Collection method: clinical testing. Allele origin: germline. Not counted in ClinVar's aggregate classification.

NM_004006.3(DMD):c.2380+11G>A

Gene: DMD (dystrophin; minus strand). Cytogenetic location: Xp21.1.
Variant type: single nucleotide variant.
Coding change: c.2380+11G>A on transcript NM_004006.3 (MANE Select); 11 bases into the intron after coding-DNA position 2380, G replaced by A.
Molecular consequence: intron variant.
Genome position (GRCh38, 1-based): chrX:32,501,744, C>T on the plus strand (G>A on the coding strand, the complement: DMD is on the minus strand). VCF-style: chrX-32501744-C-T. GRCh37 (hg19) VCF-style: chrX-32519861-C-T.
Other names: c.2356+11G>A (NM_000109.4); c.2368+11G>A (NM_004009.3); c.2011+11G>A (NM_004010.3).
Identifiers: ClinVar variation 137116 (VCV000137116.20), dbSNP rs183120304, ClinGen allele CA290636.